The following is an entry in ClinVar:

ClinVar aggregate classification (germline): Uncertain significance (1 of 4 stars; one submission).

Conditions:
COG5-congenital disorder of glycosylation. Also called: CDG IIi; CONGENITAL DISORDER OF GLYCOSYLATION, TYPE IIi; COG5-CDG. Identifiers: Orphanet 263487, MedGen C3150876, MONDO:0013325, OMIM 613612.

Allele frequency attached by ClinVar (database versions not stated): gnomAD exomes below 0.00001.
gnomAD v4.1: 2 of 1,517,724 alleles (0.00013%); highest among the groups gnomAD compares: East Asian, 0.0045%; no homozygotes.

Submission:

Labcorp Genetics (formerly Invitae), Labcorp
Classification: Uncertain significance for COG5-congenital disorder of glycosylation. Last evaluated: 2025-03-19. Review status: criteria provided, single submitter. Criteria: Invitae Variant Classification Sherloc (09022015). Collection method: clinical testing. Allele origin: germline.
Comment: This sequence change replaces tyrosine, which is neutral and polar, with cysteine, which is neutral and slightly polar, at codon 212 of the COG5 protein (p.Tyr212Cys). This variant is present in population databases (no rsID available, gnomAD 0.01%). This missense change has been observed in individual(s) with epileptic and/or developmental encephalopathy (PMID: 31175295). ClinVar contains an entry for this variant (Variation ID: 2098450). Invitae Evidence Modeling of protein sequence and biophysical properties (such as structural, functional, and spatial information, amino acid conservation, physicochemical variation, residue mobility, and thermodynamic stability) indicates that this missense variant is not expected to disrupt COG5 protein function with a negative predictive value of 80%. In summary, the available evidence is currently insufficient to determine the role of this variant in disease. Therefore, it has been classified as a Variant of Uncertain Significance.

Literature cited by the submitters: PubMed 31175295.

NM_006348.5(COG5):c.542A>G (p.Tyr181Cys)

Gene: COG5 (component of oligomeric golgi complex 5; minus strand). Cytogenetic location: 7q22.3.
Variant type: single nucleotide variant.
Coding change: c.542A>G on transcript NM_006348.5 (MANE Select); coding-DNA position 542, A replaced by G.
Protein change: p.Tyr181Cys; replaces tyrosine 181 with cysteine.
Molecular consequence: missense variant. On other transcripts: intron variant (2).
Genome position (GRCh38, 1-based): chr7:107,412,629, T>C on the plus strand (A>G on the coding strand, the complement: COG5 is on the minus strand). VCF-style: chr7-107412629-T-C. GRCh37 (hg19) VCF-style: chr7-107053074-T-C.
Other names: c.542A>G, p.Tyr181Cys (NM_001161520.2, NM_001379511.1, NM_001379512.1 and 3 more transcripts); c.235-50519A>G (NM_001379516.1); c.539-114283A>G (NM_001379515.1); short protein forms Y181C.
Identifiers: ClinVar variation 2098450 (VCV002098450.4), dbSNP rs1440731287, ClinGen allele CA368939295.